The following is an entry in ClinVar:

ClinVar aggregate classification (germline): Pathogenic/Likely pathogenic. Review status: criteria provided, multiple submitters, no conflicts (2 of 4 stars). 5 submissions from 5 submitters: Pathogenic (4); Likely pathogenic (1). Last evaluated 2024-06-14.

Conditions:
Deficiency of steroid 17-alpha-monooxygenase. Also called: ADRENAL HYPERPLASIA V; Congenital adrenal hyperplasia due to 17-alpha-hydroxylase deficiency; Congenital adrenal hyperplasia type 5; 17-ALPHA-HYDROXYLASE DEFICIENCY; 17-alpha-hydroxylase/17,20-lyase deficiency. Identifiers: Orphanet 90793, MedGen C0268285, MONDO:0008730, OMIM 202110.

Allele frequency attached by ClinVar (database versions not stated): TOPMed 0.00001.
gnomAD v4.1: 4 of 1,610,610 alleles (0.00025%); highest among the groups gnomAD compares: South Asian, 0.0011%; no homozygotes.

Submissions (5):

Natera, Inc.
Classification: Pathogenic for Deficiency of steroid 17-alpha-monooxygenase. Last evaluated: 2024-06-14. Review status: criteria provided, single submitter. Criteria: Natera Variant Classification Schema (03/2026). Collection method: clinical testing. Allele origin: germline.
Comment: The c.1117C>A variant in CYP17A1 is a missense variant predicted to cause substitution of histidine to asparagine at amino acid 373. This variant is rare in the general population with a frequency below the threshold expected for the associated phenotype(s). This variant has been observed in one or more individuals affected with the associated recessive disease, as either homozygous or compound heterozygous with a second variant (PMID: 28130116, 19793597). Given the available evidence, this variant is classified as Pathogenic.

Women's Health and Genetics/Laboratory Corporation of America, LabCorp
Classification: Pathogenic for Deficiency of steroid 17-alpha-monooxygenase. Last evaluated: 2023-07-03. Review status: criteria provided, single submitter. Criteria: LabCorp Variant Classification Summary - May 2015. Collection method: clinical testing. Allele origin: germline.
Comment: Variant summary: CYP17A1 c.1117C>A (p.His373Asn) results in a conservative amino acid change in the encoded protein sequence, altering a conserved residue in which two other missense variants (p.His373Asp, p.His373Leu) have been classified as pathogenic or likely pathogenic (ClinVar). Four of five in-silico tools predict a damaging effect of the variant on protein function. The variant was absent in 251058 control chromosomes (gnomAD). c.1117C>A has been reported in the literature in individuals affected with 17 alpha-hydroxylase/17,20-lyase deficiency (Katsumata_2010, Kim_2017), and these individuals were reported as compound heterozygous with other pathogenic variants. These data indicate that the variant is likely to be associated with disease. At least one publication reports experimental evidence evaluating an impact on protein function, finding that cells transfected with the variant plasmid showed <1% production of 17-alpha-hydroxyprogesterone or of androstenedione compared with wildtype cells. The following publications have been ascertained in the context of this evaluation (PMID: 28130116, 19793597). Two submitters have cited clinical-significance assessments for this variant to ClinVar after 2014, and classified the variant as pathogenic. Based on the evidence outlined above, the variant was classified as pathogenic.

Baylor Genetics
Classification: Likely pathogenic for Deficiency of steroid 17-alpha-monooxygenase. Last evaluated: 2023-05-06. Review status: criteria provided, single submitter. Criteria: ACMG Guidelines, 2015. Collection method: clinical testing. Allele origin: unknown.

Seattle Children's Hospital Molecular Genetics Laboratory, Seattle Children's Hospital
Classification: Pathogenic for Deficiency of steroid 17-alpha-monooxygenase. Last evaluated: 2021-04-23. Review status: criteria provided, single submitter. Criteria: ACMG Guidelines, 2015. Collection method: clinical testing. Allele origin: unknown. Inheritance: Autosomal recessive inheritance. Affected: yes.
Comment: The CYP17A1 p.His373Asn variant is also located within exon 6. It is absent from large population cohorts (0 of approximately 251,000 alleles, gnomAD v2.1.1). This variant has been reported in one individual who carried a second pathogenic variant in trans (PMID: 11549876). In vitro studies were consistent with a loss of function effect for this variant for both 17-alpha-hydroxylase and 17,20-lyase activity (PMID: 11549876). Different missense variants (p.His373Leu, p.His373Asp) at this position have also been reported as pathogenic alterations in multiple affected individuals (PMID: 8245018, PMID: 30229581).

Labcorp Genetics (formerly Invitae), Labcorp
Classification: Pathogenic. Last evaluated: 2020-12-21. Review status: criteria provided, single submitter. Criteria: Invitae Variant Classification Sherloc (09022015). Collection method: clinical testing. Allele origin: germline.
Comment: For these reasons, this variant has been classified as Pathogenic. Experimental studies have shown that this variant affects CYP17A1 protein function (PMID: 19793597). This variant disrupts the p.His373 amino acid residue in CYP17A1. Other variant(s) that disrupt this residue have been determined to be pathogenic (PMID: 8245018, 10877510, 11549876, 12706306, 24140098). This suggests that this residue is clinically significant, and that variants that disrupt this residue are likely to be disease-causing. Advanced modeling of protein sequence and biophysical properties (such as structural, functional, and spatial information, amino acid conservation, physicochemical variation, residue mobility, and thermodynamic stability) performed at Invitae indicates that this missense variant is expected to disrupt CYP17A1 protein function. This variant has been observed in individual(s) with congenital adrenal hyperplasia (PMID: 19793597). In at least one individual the data is consistent with the variant being in trans (on the opposite chromosome) from a pathogenic variant. This variant is not present in population databases (ExAC no frequency). This sequence change replaces histidine with asparagine at codon 373 of the CYP17A1 protein (p.His373Asn). The histidine residue is highly conserved and there is a small physicochemical difference between histidine and asparagine.

Literature cited by the submitters: PubMed 28130116 (cited by Natera, Inc. and Women's Health and Genetics/Laboratory Corporation of America, LabCorp); PubMed 19793597 (cited by 3 submitters); PubMed 11549876 (cited by Seattle Children's Hospital Molecular Genetics Laboratory, Seattle Children's Hospital and Labcorp Genetics (formerly Invitae), Labcorp); PubMed 8245018 (cited by Seattle Children's Hospital Molecular Genetics Laboratory, Seattle Children's Hospital and Labcorp Genetics (formerly Invitae), Labcorp); PubMed 30229581 (cited by Seattle Children's Hospital Molecular Genetics Laboratory, Seattle Children's Hospital); PubMed 10877510 (cited by Labcorp Genetics (formerly Invitae), Labcorp); PubMed 12706306 (cited by Labcorp Genetics (formerly Invitae), Labcorp); PubMed 24140098 (cited by Labcorp Genetics (formerly Invitae), Labcorp).

NM_000102.4(CYP17A1):c.1117C>A (p.His373Asn)

Gene: CYP17A1 (cytochrome P450 family 17 subfamily A member 1; minus strand). Cytogenetic location: 10q24.32.
Variant type: single nucleotide variant.
Coding change: c.1117C>A on transcript NM_000102.4 (MANE Select); coding-DNA position 1117, C replaced by A.
Protein change: p.His373Asn; replaces histidine 373 with asparagine.
Molecular consequence: missense variant.
Genome position (GRCh38, 1-based): chr10:102,832,533, G>T on the plus strand (C>A on the coding strand, the complement: CYP17A1 is on the minus strand). VCF-style: chr10-102832533-G-T. GRCh37 (hg19) VCF-style: chr10-104592290-G-T.
Other names: short protein forms H373N.
Identifiers: ClinVar variation 1460105 (VCV001460105.11), dbSNP rs1423560123, ClinGen allele CA377938703.